The following is an entry in ClinVar:

ClinVar aggregate classification (germline): Uncertain significance. Review status: criteria provided, multiple submitters, no conflicts (2 of 4 stars). 4 submissions from 4 submitters: Uncertain significance (4). Last evaluated 2025-04-01.

Conditions:
Nemaline myopathy. Also called: Myopathies, Nemaline. Identifiers: Orphanet 607, MedGen C0206157, MONDO:0018958.
Inborn genetic diseases. Identifiers: MedGen C0950123, MeSH D030342.
Nemaline myopathy 2 (NEM2). Also called: Nemaline myopathy 2, autosomal recessive. Identifiers: MedGen C1850569, MONDO:0009725, OMIM 256030.

Allele frequency attached by ClinVar (database versions not stated): TOPMed below 0.00001; ExAC 0.00001; gnomAD exomes 0.00004 and 0.00002.
gnomAD v4.1: 62 of 1,612,782 alleles (0.0038%); highest among the groups gnomAD compares: Non-Finnish European, 0.0053%; no homozygotes.

Submissions (4):

GeneDx
Classification: Uncertain significance. Last evaluated: 2025-04-01. Review status: criteria provided, single submitter. Criteria: GeneDx Variant Classification Process June 2021. Collection method: clinical testing. Allele origin: germline. Affected: yes.
Comment: In silico analysis supports that this missense variant has a deleterious effect on protein structure/function; Has not been previously published as pathogenic or benign to our knowledge

Ambry Genetics
Classification: Uncertain significance for Inborn genetic diseases. Last evaluated: 2025-02-12. Review status: criteria provided, single submitter. Criteria: Ambry Variant Classification Scheme 2023. Collection method: clinical testing. Allele origin: germline.

Labcorp Genetics (formerly Invitae), Labcorp
Classification: Uncertain significance for Nemaline myopathy 2. Last evaluated: 2022-10-24. Review status: criteria provided, single submitter. Criteria: Invitae Variant Classification Sherloc (09022015). Collection method: clinical testing. Allele origin: germline.
Comment: This sequence change replaces aspartic acid, which is acidic and polar, with histidine, which is basic and polar, at codon 7422 of the NEB protein (p.Asp7422His). This variant is present in population databases (rs770527289, gnomAD 0.004%). This variant has not been reported in the literature in individuals affected with NEB-related conditions. ClinVar contains an entry for this variant (Variation ID: 440963). Algorithms developed to predict the effect of missense changes on protein structure and function are either unavailable or do not agree on the potential impact of this missense change (SIFT: "Deleterious"; PolyPhen-2: "Not Available"; Align-GVGD: "Class C0"). In summary, the available evidence is currently insufficient to determine the role of this variant in disease. Therefore, it has been classified as a Variant of Uncertain Significance.

Revvity Omics, Revvity
Classification: Uncertain significance. Last evaluated: 2020-03-17. Review status: criteria provided, single submitter. Criteria: ACMG Guidelines, 2015. Collection method: clinical testing. Allele origin: germline.

NM_001164508.2(NEB):c.22159G>C (p.Asp7387His)

Genes: NEB (nebulin; minus strand), RIF1 (replication timing regulatory factor 1; plus strand). Cytogenetic location: 2q23.3.
Variant type: single nucleotide variant.
Coding change: c.22159G>C on transcript NM_001164508.2 (MANE Select); coding-DNA position 22159, G replaced by C.
Protein change: p.Asp7387His; replaces aspartic acid 7387 with histidine.
Molecular consequence: missense variant.
Genome position (GRCh38, 1-based): chr2:151,525,960, C>G on the plus strand (G>C on the coding strand, the complement: NEB is on the minus strand). VCF-style: chr2-151525960-C-G. GRCh37 (hg19) VCF-style: chr2-152382474-C-G.
Other names: c.17056G>C (NM_004543.4); c.22159G>C, p.Asp7387His (NM_001164507.2); c.22264G>C, p.Asp7422His (NM_001271208.2); c.17056G>C, p.Asp5686His (NM_004543.5); short protein forms D7422H, D7387H, D5686H.
Identifiers: ClinVar variation 440963 (VCV000440963.8), dbSNP rs770527289, ClinGen allele CA1906761.
Genomic context (GRCh38, chr2:151,525,960, plus strand): 5'-CAGATTCTACAGTCAAGTGGCATTGTTGCTGCCAAGAGACCGGTGGTTGATCACTTACAT[C>G]ACTGACATGCTTGGTCACTTCCTTGACGTGAACAGTGTCCCGGGTCTCTGGTAGTGTTGT-3'
Protein context (NP_001157980.2, residues 7377-7397): HVKEVTKHVS[Asp7387His]TNYKKKFVKE